The following is an entry in ClinVar:

ClinVar aggregate classification (germline): Pathogenic (1 of 4 stars; one submission).

Conditions:
Autosomal recessive severe congenital neutropenia due to CSF3R deficiency. Also called: Neutropenia, severe congenital, 7, autosomal recessive. Identifiers: Orphanet 420702, MedGen C4310764, MONDO:0014865, OMIM 617014.

Submission:

Gene Mapping Laboratory, Hacettepe University
Classification: Pathogenic for Autosomal recessive severe congenital neutropenia due to CSF3R deficiency. Last evaluated: 2026-10-23. Review status: criteria provided, single submitter. Criteria: ACMG Guidelines, 2015. Collection method: research. Allele origin: inherited. Inheritance: Autosomal recessive inheritance. Affected: yes. Observed: 1 variant allele, 1 homozygote.
Comment: This homozygous nonsense variant introduces a premature termination codon and is expected to cause loss of CSF3R function (PVS1). Its reported rarity in population databases (PM2), together with the affected individual's severe early-onset neutropenia and neutropenia in the sibling, supports a diagnosis of autosomal recessive CSF3R-related severe congenital neutropenia (PP1_supporting).

NM_000760.4(CSF3R):c.1023G>A (p.Trp341Ter)

Gene: CSF3R (colony stimulating factor 3 receptor; minus strand). Cytogenetic location: 1p34.3.
Variant type: single nucleotide variant.
Coding change: c.1023G>A on transcript NM_000760.4 (MANE Select); coding-DNA position 1023, G replaced by A.
Protein change: p.Trp341Ter; replaces tryptophan 341 with a stop codon.
Molecular consequence: nonsense.
Genome position (GRCh38, 1-based): chr1:36,472,114, C>T on the plus strand (G>A on the coding strand, the complement: CSF3R is on the minus strand). VCF-style: chr1-36472114-C-T. GRCh37 (hg19) VCF-style: chr1-36937715-C-T.
Other names: c.1023G>A, p.Trp341Ter (NM_156039.3, NM_172313.3); short protein forms W341*.
Identifiers: ClinVar variation 5036715 (VCV005036715.1).